The following is an entry in ClinVar:

ClinVar aggregate classification (germline): Uncertain significance. Review status: criteria provided, multiple submitters, no conflicts (2 of 4 stars). 2 submissions from 2 submitters: Uncertain significance (2). Last evaluated 2019-10-11.

Allele frequency attached by ClinVar (database versions not stated): gnomAD exomes 0.00001; gnomAD 0.00002; TOPMed 0.00003.
gnomAD v4.1: 13 of 1,614,104 alleles (0.00081%); highest among the groups gnomAD compares: African/African-American, 0.0027%; no homozygotes.

Submissions (2):

Labcorp Genetics (formerly Invitae), Labcorp
Classification: Uncertain significance. Last evaluated: 2019-10-11. Review status: criteria provided, single submitter. Criteria: Invitae Variant Classification Sherloc (09022015). Collection method: clinical testing. Allele origin: germline.
Comment: In summary, the available evidence is currently insufficient to determine the role of this variant in disease. Therefore, it has been classified as a Variant of Uncertain Significance. Nucleotide substitutions within the consensus splice site are a relatively common cause of aberrant splicing (PMID: 17576681, 9536098). Algorithms developed to predict the effect of sequence changes on RNA splicing suggest that this variant may disrupt the consensus splice site, but this prediction has not been confirmed by published transcriptional studies. This variant has not been reported in the literature in individuals with DHX38-related conditions. This variant is not present in population databases (ExAC no frequency). This sequence change falls in intron 16 of the DHX38 gene. It does not directly change the encoded amino acid sequence of the DHX38 protein, but it affects a nucleotide within the consensus splice site of the intron.

Blueprint Genetics
Classification: Uncertain significance. Last evaluated: 2018-08-29. Review status: criteria provided, single submitter. Criteria: ACMG Guidelines, 2015. Collection method: clinical testing. Allele origin: germline.

Literature cited by the submitters: PubMed 17576681 (cited by Labcorp Genetics (formerly Invitae), Labcorp); PubMed 9536098 (cited by Labcorp Genetics (formerly Invitae), Labcorp).

NM_014003.4(DHX38):c.2262+3G>C

Gene: DHX38 (DEAH-box helicase 38; plus strand). Cytogenetic location: 16q22.2.
Variant type: single nucleotide variant.
Coding change: c.2262+3G>C on transcript NM_014003.4 (MANE Select); 3 bases into the intron after coding-DNA position 2262, G replaced by C.
Molecular consequence: intron variant.
Genome position (GRCh38, 1-based): chr16:72,105,140, G>C. VCF-style: chr16-72105140-G-C. GRCh37 (hg19) VCF-style: chr16-72139039-G-C.
Identifiers: ClinVar variation 937039 (VCV000937039.8), dbSNP rs928669195, ClinGen allele CA283685441.